The following is an entry in ClinVar:

ClinVar aggregate classification (germline): Uncertain significance (1 of 4 stars; one submission).

Allele frequency attached by ClinVar (database versions not stated): gnomAD exomes below 0.00001.
gnomAD v4.1: 2 of 1,614,160 alleles (0.00012%); highest among the groups gnomAD compares: Admixed American, 0.0017%; no homozygotes.

Submission:

Labcorp Genetics (formerly Invitae), Labcorp
Classification: Uncertain significance. Last evaluated: 2024-07-07. Review status: criteria provided, single submitter. Criteria: Invitae Variant Classification Sherloc (09022015). Collection method: clinical testing. Allele origin: germline.
Comment: This sequence change replaces isoleucine, which is neutral and non-polar, with threonine, which is neutral and polar, at codon 1568 of the LAMB1 protein (p.Ile1568Thr). This variant is present in population databases (no rsID available, gnomAD 0.003%). This variant has not been reported in the literature in individuals affected with LAMB1-related conditions. ClinVar contains an entry for this variant (Variation ID: 1954876). An algorithm developed to predict the effect of missense changes on protein structure and function (PolyPhen-2) suggests that this variant is likely to be tolerated. In summary, the available evidence is currently insufficient to determine the role of this variant in disease. Therefore, it has been classified as a Variant of Uncertain Significance.

NM_002291.3(LAMB1):c.4703T>C (p.Ile1568Thr)

Gene: LAMB1 (laminin subunit beta 1; minus strand). Cytogenetic location: 7q31.1.
Variant type: single nucleotide variant.
Coding change: c.4703T>C on transcript NM_002291.3 (MANE Select); coding-DNA position 4703, T replaced by C.
Protein change: p.Ile1568Thr; replaces isoleucine 1568 with threonine.
Molecular consequence: missense variant.
Genome position (GRCh38, 1-based): chr7:107,929,454, A>G on the plus strand (T>C on the coding strand, the complement: LAMB1 is on the minus strand). VCF-style: chr7-107929454-A-G. GRCh37 (hg19) VCF-style: chr7-107569899-A-G.
Other names: short protein forms I1568T.
Identifiers: ClinVar variation 1954876 (VCV001954876.5), dbSNP rs1470093433, ClinGen allele CA368862656.